The following is an entry in ClinVar:

NM_002907.4(RECQL):c.1447+161T>G

Gene: RECQL (RecQ like helicase; minus strand). Cytogenetic location: 12p12.1.
Variant type: single nucleotide variant.
Coding change: c.1447+161T>G on transcript NM_002907.4 (MANE Select); 161 bases into the intron after coding-DNA position 1447, T replaced by G.
Molecular consequence: intron variant.
Genome position (GRCh38, 1-based): chr12:21,473,390, A>C on the plus strand (T>G on the coding strand, the complement: RECQL is on the minus strand). VCF-style: chr12-21473390-A-C. GRCh37 (hg19) VCF-style: chr12-21626324-A-C.
Other names: NC_000012.11:g.21626324A>C; c.1447+161T>G (NM_032941.3).
Identifiers: ClinVar variation 679693 (VCV000679693.3), dbSNP rs917852, ClinGen allele CA233567222.

ClinVar aggregate classification (germline): Benign. Review status: criteria provided, multiple submitters, no conflicts (2 of 4 stars). 2 submissions from 2 submitters: Benign (2). Last evaluated 2018-06-18.

Allele frequency attached by ClinVar (database versions not stated): gnomAD 0.98306 and 0.98421; 1000 Genomes Project 30x 0.98329; 1000 Genomes Project 0.98303; TOPMed 0.98247.
gnomAD v4.1: 149,820 of 152,206 alleles (98%); highest among the groups gnomAD compares: East Asian, 100%; 73,793 homozygotes.

Submissions (4):

GeneDx
Classification: Benign. Last evaluated: 2018-06-18. Review status: criteria provided, single submitter. Criteria: GeneDx Variant Classification (06012015). Collection method: clinical testing. Allele origin: germline. Affected: yes.
Comment: This variant is considered likely benign or benign based on one or more of the following criteria: it is a conservative change, it occurs at a poorly conserved position in the protein, it is predicted to be benign by multiple in silico algorithms, and/or has population frequency not consistent with disease.

Breakthrough Genomics
Classification: Benign. Review status: criteria provided, single submitter. Criteria: ACMG Guidelines, 2015. Collection method: not provided. Allele origin: germline. Inheritance: Unknown mechanism. Affected: yes.

Dr. Peter K. Rogan Lab, Western University
No classification provided (evidence only). Condition: Malignant lymphoma, large B-cell, diffuse. Review status: no classification provided. Collection method: in vitro. Allele origin: not applicable. Functional consequence: retained intron. Not counted in ClinVar's aggregate classification.

Dr. Peter K. Rogan Lab, Western University
No classification provided (evidence only). Condition: Malignant lymphoma, large B-cell, diffuse. Review status: no classification provided. Collection method: in vitro. Allele origin: not applicable. Functional consequence: retained intron. Not counted in ClinVar's aggregate classification.